The following is an entry in ClinVar:

ClinVar aggregate classification (germline): Uncertain significance (1 of 4 stars; one submission).

Conditions:
Developmental and epileptic encephalopathy, 1 (DEE1). Also called: X-linked infantile spasms; West's syndrome; Tonic spasms with clustering, arrest of psychomotor development and hypsarrhythmia on EEG; X-Linked Infantile Spasm Syndrome; OHTAHARA SYNDROME, X-LINKED; INFANTILE SPASM SYNDROME, X-LINKED 1. Identifiers: MedGen C3463992, MONDO:0010632, OMIM 308350. Disease mechanism: loss of function.
Autosomal dominant nonsyndromic hearing loss 65. Also called: Deafness, autosomal dominant 65; TBC1D24-Related Autosomal Dominant Nonsyndromic Hearing Loss (DFNA). Identifiers: Orphanet 90635, MedGen C3892048, MONDO:0014470, OMIM 616044.

Submission:

Labcorp Genetics (formerly Invitae), Labcorp
Classification: Uncertain significance for Developmental and epileptic encephalopathy, 1; Autosomal dominant nonsyndromic hearing loss 65. Last evaluated: 2022-05-19. Review status: criteria provided, single submitter. Criteria: Invitae Variant Classification Sherloc (09022015). Collection method: clinical testing. Allele origin: germline.
Comment: This sequence change replaces aspartic acid, which is acidic and polar, with tyrosine, which is neutral and polar, at codon 531 of the TBC1D24 protein (p.Asp531Tyr). This variant is not present in population databases (gnomAD no frequency). This variant has not been reported in the literature in individuals affected with TBC1D24-related conditions. Algorithms developed to predict the effect of missense changes on protein structure and function are either unavailable or do not agree on the potential impact of this missense change (SIFT: "Deleterious"; PolyPhen-2: "Probably Damaging"; Align-GVGD: "Class C0"). In summary, the available evidence is currently insufficient to determine the role of this variant in disease. Therefore, it has been classified as a Variant of Uncertain Significance.

NM_001199107.2(TBC1D24):c.1591G>T (p.Asp531Tyr)

Gene: TBC1D24 (TBC1 domain family member 24; plus strand). Cytogenetic location: 16p13.3.
Variant type: single nucleotide variant.
Coding change: c.1591G>T on transcript NM_001199107.2 (MANE Select); coding-DNA position 1591, G replaced by T.
Protein change: p.Asp531Tyr; replaces aspartic acid 531 with tyrosine.
Molecular consequence: missense variant.
Genome position (GRCh38, 1-based): chr16:2,500,869, G>T. VCF-style: chr16-2500869-G-T. GRCh37 (hg19) VCF-style: chr16-2550870-G-T.
Other names: c.1573G>T, p.Asp525Tyr (NM_020705.3); short protein forms D525Y, D531Y.
Identifiers: ClinVar variation 1996273 (VCV001996273.4), dbSNP rs757236821, ClinGen allele CA394382176.